The following is an entry in ClinVar:

ClinVar aggregate classification (germline): Pathogenic/Likely pathogenic. Review status: criteria provided, multiple submitters, no conflicts (2 of 4 stars). 2 submissions from 2 submitters: Pathogenic (1); Likely pathogenic (1). Last evaluated 2024-12-04.

Conditions:
Maple syrup urine disease type 1B (MSUD1B). Also called: MSUD type IB; MSUD type 3 (formerly); MSUD due to deficiency of e1-beta subunit of branched-chain alpha-keto acid dehydrogenase complex. Identifiers: MedGen C2930990, MONDO:0023692, OMIM 620698.

Submissions (2):

Natera, Inc.
Classification: Likely pathogenic for Maple syrup urine disease type 1B. Last evaluated: 2024-12-04. Review status: criteria provided, single submitter. Criteria: Natera Variant Classification Schema (03/2026). Collection method: clinical testing. Allele origin: germline.
Comment: The c.622_623del variant in BCKDHB is a frameshift variant predicted to shift the reading frame beginning at codon 208 and leads to a stop codon 24 codons downstream. This variant is expected to result in nonsense mediated decay, truncation, or a dysfunctional protein product. This variant is rare in the general population with a frequency below the threshold expected for the associated phenotype(s). Given the available evidence, this variant is classified as Likely Pathogenic.

Myriad Genetics, Inc.
Classification: Pathogenic for Maple syrup urine disease type 1B. Last evaluated: 2024-03-20. Review status: criteria provided, single submitter. Criteria: Myriad Autosomal Dominant, Autosomal Recessive and X-Linked Classification Criteria (2023). Collection method: clinical testing. Allele origin: unknown.
Comment: NM_183050.2(BCKDHB):c.622_623delCC(P208Rfs*24) is expected to be pathogenic in the context of maple syrup urine disease type Ib. This variant is predicted to lead to an abnormal or absent protein product due to the creation of a premature termination codon in BCKDHB, a gene where loss-of-function variants are known to be pathogenic. Please note: this variant was assessed in the context of healthy population screening.

NM_183050.4(BCKDHB):c.622_623del (p.Pro208fs)

Gene: BCKDHB (branched chain keto acid dehydrogenase E1 subunit beta; plus strand). Cytogenetic location: 6q14.1.
Variant type: Deletion.
Coding change: c.622_623del on transcript NM_183050.4 (MANE Select); coding-DNA positions 622 to 623, 2 bases deleted (CC; older notation c.622_623delCC).
Protein change: p.Pro208fs; shifts the reading frame from proline 208.
Molecular consequence: frameshift variant. On other transcripts: non-coding transcript variant (6).
Genome position (GRCh38, 1-based): chr6:80,169,019-80,169,020, CC deleted; deleting any 2 consecutive bases within chr6:80,169,018-80,169,020 gives the same sequence; the c. name uses the placement nearest the transcript's 3' end. VCF-style (leftmost placement, unchanged base first): chr6-80169017-GCC-G. GRCh37 (hg19) VCF-style: chr6-80878734-GCC-G.
Other names: c.622_623del, p.Pro208fs (NM_001424039.1, NM_001424040.1, NM_001424041.1 and 8 more transcripts); c.412_413del, p.Pro138fs (NM_001424043.1, NM_001318975.1); short protein forms P138fs, P208fs.
Identifiers: ClinVar variation 4817026 (VCV004817026.2).